The following continues an entry in ClinVar:

NM_000435.3(NOTCH3):c.3691C>T (p.Arg1231Cys)

Gene: NOTCH3. ClinVar aggregate classification (germline): Conflicting classifications of pathogenicity. Pathogenic (3); Likely pathogenic (3); Uncertain significance (11); Benign (1).

Submissions 9 to 19 of 21:

ARUP Laboratories, Molecular Genetics and Genomics, ARUP Laboratories
Classification: Uncertain significance. Last evaluated: 2025-02-24. Review status: criteria provided, single submitter. Criteria: ARUP Molecular Germline Variant Investigation Process 2024. Collection method: clinical testing. Allele origin: germline.
Comment: The NOTCH3 c.3691C>T; p.Arg1231Cys variant (rs201680145, ClinVar Variation ID: 216972) is reported in the literature in individuals with clinical features of CADASIL (Abolhassani 2024, Abou Al-Shaar 2016, Gollion 2022, Joutel 1997, Juhosova 2023, Ramirez 2020, Rinnoci 2013), and in an individual with Alzheimer's disease but no features of CADASIL (Guerreiro 2012). In one family affected with CADASIL, seven family members were found to be homozygous for the variant and had a slightly more severe phenotype than the six family members heterozygous for the variant (Abou Al-Shaar 2016). This variant is found in the general population with an overall allele frequency of 0.08% (225/281770 alleles, including 3 homozygotes), with an increased frequency of 0.5% in the South Asian population in the Genome Aggregation Database (v2.1.1). A case-control study identified a modestly increased risk of stroke in individuals carrying the p.Arg1231Cys variant compared to controls (Masoli 2019). The arginine at codon 1231 is located in an EGF-like domain; most pathogenic NOTCH3 variants occur in exons 2-24 and either create or destroy a cysteine residue within an EGF-like domain (Rutten 2014). However, given the high frequency of this variant in the general population and asymptomatic heterozygous carriers that have been reported, the clinical significance of this variant is uncertain at this time. References: Abolhassani A et al. Clinical application of next generation sequencing for Mendelian disease diagnosis in the Iranian population. NPJ Genom Med. 2024 Feb 19;9(1):12. PMID: 38374194. Abou Al-Shaar H et al. Phenotypic comparison of individuals with homozygous or heterozygous mutation of NOTCH3 in a large CADASIL family. J Neurol Sci. 2016 Aug 15;367:239-43. PMID: 27423596. Gollion C et al. Unilateral Leukoencephalopathy Revealing Cerebral Autosomal Dominant Arteriopathy with Subcortical Infarcts and Leukoencephalopathy. Ann Neurol. 2022 Jun;91(6):889-890. PMID: 35226365. Guerreiro RJ et al. Exome sequencing reveals an unexpected genetic cause of disease: NOTCH3 mutation in a Turkish family with Alzheimer's disease. Neurobiol Aging. 2012 May;33(5):1008.e17-23. PMID: 22153900. Joutel A et al. Strong clustering and stereotyped nature of Notch3 mutations in CADASIL patients. Lancet. 1997 Nov 22;350(9090):1511-5. PMID: 9388399. Juhosova M et al. Influence of different spectra of NOTCH3 variants on the clinical phenotype of CADASIL - experience from Slovakia. Neurogenetics. 2023 Jan;24(1):1-16. PMID: 36401683. Masoli JAH et al. Clinical Outcomes of CADASIL-Associated NOTCH3 Mutations in 451,424 European Ancestry Community Volunteers. Transl Stroke Res. 2019 Aug;10(4):339-341. PMID: 30338453. Ramirez J et al. Parkinson's Disease, NOTCH3 Genetic Variants, and White Matter Hyperintensities. Mov Disord. 2020 Nov;35(11):2090-2095. PMID: 32573853. Rinnoci V et al. Cerebral hemorrhages in CADASIL: report of four cases and a brief review. J Neurol Sci. 2013 Jul 15;330(1-2):45-51. PMID: 23639391. Rutten JW et al. Interpretation of NOTCH3 mutations in the diagnosis of CADASIL. Expert Rev Mol Diagn. 2014 Jun;14(5):593-603. PMID: 24844136.

Blueprint Genetics
Classification: Uncertain significance. Last evaluated: 2024-11-19. Review status: criteria provided, single submitter. Criteria: ACMG Guidelines, 2015. Collection method: clinical testing. Allele origin: germline.

CeGaT Center for Human Genetics Tuebingen
Classification: Benign. Last evaluated: 2024-07-01. Review status: criteria provided, single submitter. Criteria: CeGaT Center For Human Genetics Tuebingen Variant Classification Criteria Version 2. Collection method: clinical testing. Allele origin: germline. Affected: yes. Observed: 2 variant alleles.
Comment: NOTCH3: PP2, BS1, BS2

Revvity Omics, Revvity
Classification: Uncertain significance. Last evaluated: 2023-11-20. Review status: criteria provided, single submitter. Criteria: ACMG Guidelines, 2015. Collection method: clinical testing. Allele origin: germline.

MGZ Medical Genetics Center
Classification: Uncertain significance for Cerebral arteriopathy, autosomal dominant, with subcortical infarcts and leukoencephalopathy, type 1. Last evaluated: 2022-04-21. Review status: criteria provided, single submitter. Criteria: ACMG Guidelines, 2015. Collection method: clinical testing. Allele origin: germline. Affected: yes. Observed: 1 variant allele.
Comment: ACMG criteria applied: PP2, PP3, BS2

Mendelics
Classification: Uncertain significance for Cerebral arteriopathy, autosomal dominant, with subcortical infarcts and leukoencephalopathy, type 1. Last evaluated: 2019-05-28. Review status: criteria provided, single submitter. Criteria: Mendelics Assertion Criteria 2017. Collection method: clinical testing. Allele origin: unknown.

Genomic Research Center, Shahid Beheshti University of Medical Sciences
Classification: Pathogenic for Cerebral arteriopathy, autosomal dominant, with subcortical infarcts and leukoencephalopathy, type 1. Last evaluated: 2017-12-03. Review status: criteria provided, single submitter. Criteria: ACMG Guidelines, 2015. Collection method: clinical testing. Allele origin: inherited. Affected: yes.

GeneDx
Classification: Uncertain significance. Last evaluated: 2016-08-30. Review status: criteria provided, single submitter. Criteria: GeneDx Variant Classification (06012015). Collection method: clinical testing. Allele origin: germline. Affected: yes.
Comment: The R1231C variant in the NOTCH3 gene has been reported previously in association with CADASIL (Joutel et al., 1997; Rinnoci et al., 2013; Abou Al-Shaar et al., 2016). The R1231C variant was recently identified in the homozygous state in several members from a large family with CADASIL (Abou Al-Shaar et al., 2016). These homozygous individuals had phenotypic features that were within the spectrum of CADASIL, though on the slightly severe end compared to their affected family members with R1231C in the heterozygous state (Abou Al-Shaar et al., 2016). The R1231C variant was also identified by whole exome sequencing in an individual with Alzheimer's disease and no features of CADASIL, which the authors conclude either leads to questions of the pathogenicity of R1231C or broadens the phenotypic spectrum associated with this variant (Guerreiro et al., 2012). The R1231C variant is a non-conservative amino acid substitution, which is likely to impact secondary protein structure as these residues differ in polarity, charge, size and/or other properties. While this substitution occurs at a position that is not conserved across species, in silico analysis predicts this variant is probably damaging to the protein structure/function. However, the R1231C variant was observed in 0.58% of alleles from individuals of South Asian background, including three homozygous individuals, in the Exome Aggregation Consortium (ExAC) data set, indicating it may be a rare benign variant in this population. We have also identified many unaffected individuals who are heterozygous for the R1231C variant at GeneDx. As the R1231C variant is observed with significant frequency among unaffected individuals in the ExAC data set and at GeneDx, we now interpret R1231C as a variant of uncertain significance.

UCLA Clinical Genomics Center, UCLA
Classification: Pathogenic for Cerebral autosomal dominant arteriopathy with subcortical infarcts and leukoencephalopathy. Last evaluated: 2014-05-27. Review status: criteria provided, single submitter. Criteria: Lee et al. (JAMA. 2014). Collection method: clinical testing. Allele origin: unknown. Inheritance: Autosomal dominant inheritance. Affected: yes. Study: CES.

Neuberg Centre For Genomic Medicine, NCGM
Classification: Pathogenic for Cerebral arteriopathy, autosomal dominant, with subcortical infarcts and leukoencephalopathy, type 1. Review status: criteria provided, single submitter. Criteria: ACMG Guidelines, 2015. Collection method: clinical testing. Allele origin: germline. Inheritance: Autosomal recessive inheritance. Affected: yes.
Comment: The missense c.3691C>T (p.Arg1231Cys) variant in NOTCH3 gene has been reported previously in multiple individuals affected with Cerebral arteriopathy with subcortical infarcts and leukoencephalopathy 1 (CADASIL) (Abou Al-Shaar et al., 2016; Rinnoci et al., 2013; Testi et al., 2012). This variant has been observed to segregate with disease. The arginine at codon 1231 is located in an EGFlike domain; most pathogenic NOTCH3 variants occur in exons 2-24 and either create or destroy a cysteine residue within an EGF-like domain (Rutten et al., 2016). This has been associated with variable penetrance and expressivity.

Clinical Genetics DNA and cytogenetics Diagnostics Lab, Erasmus MC, Erasmus Medical Center
Classification: Pathogenic. Review status: no assertion criteria provided. Collection method: clinical testing. Allele origin: germline. Affected: yes. Study: VKGL Data-share Consensus. Not counted in ClinVar's aggregate classification.